The following is an entry in ClinVar:

NM_001040108.2(MLH3):c.3905del (p.Gly1302fs)

Gene: MLH3 (mutL homolog 3; minus strand). Cytogenetic location: 14q24.3.
Variant type: Deletion.
Coding change: c.3905del on transcript NM_001040108.2 (MANE Select); coding-DNA position 3905, one base deleted (G; older notation c.3905delG).
Protein change: p.Gly1302fs; shifts the reading frame from glycine 1302.
Molecular consequence: frameshift variant.
Genome position (GRCh38, 1-based): chr14:75,030,625, C deleted on the plus strand (G on the coding strand, the reverse complement: MLH3 is on the minus strand); the first of 3 consecutive C bases (chr14:75,030,625-75,030,627); deleting any one gives the same sequence. VCF-style (leftmost placement, unchanged base first): chr14-75030624-TC-T. GRCh37 (hg19) VCF-style: chr14-75497327-TC-T.
Other names: c.3833del, p.Gly1278fs (NM_014381.3); c.3905delG (NM_001040108.1); short protein forms G1302fs, G1278fs.
Identifiers: ClinVar variation 4108611 (VCV004108611.2).

ClinVar aggregate classification (germline): Pathogenic (1 of 4 stars; one submission).

Submission:

Ambry Genetics
Classification: Pathogenic. Last evaluated: 2026-06-01. Review status: criteria provided, single submitter. Criteria: Ambry Variant Classification Scheme 2023. Collection method: clinical testing. Allele origin: germline.
Comment: The c.3905delG pathogenic mutation, located in coding exon 8 of the MLH3 gene, results from a deletion of one nucleotide at nucleotide position 3905, causing a translational frameshift with a predicted alternate stop codon (p.G1302Efs*22). This variant is considered to be rare based on population cohorts in the Genome Aggregation Database (gnomAD). This alteration is expected to result in loss of function by premature protein truncation or nonsense-mediated mRNA decay. As such, this alteration is interpreted as a disease-causing mutation.